The following is an entry in ClinVar:

ClinVar aggregate classification (germline): Uncertain significance. Review status: criteria provided, multiple submitters, no conflicts (2 of 4 stars). 7 submissions from 7 submitters: Uncertain significance (6). 1 of the submissions does not count toward it. Last evaluated 2026-05-18.

Conditions:
CDH23-related disorder. Also called: CDH23-related condition; CDH23-related disorders.
Autosomal recessive nonsyndromic hearing loss 12. Also called: DEAFNESS, AUTOSOMAL RECESSIVE 12. Identifiers: Orphanet 90636, MedGen C1832394, MONDO:0011067, OMIM 601386.
Pituitary adenoma 5, multiple types. Identifiers: MedGen C4539685, MONDO:0054601, OMIM 617540.
Usher syndrome type 1D (USH1D). Also called: USHER SYNDROME, TYPE ID. Identifiers: Orphanet 231169, Orphanet 886, MedGen C1832845, MONDO:0010984, OMIM 601067.
Inborn genetic diseases. Identifiers: MedGen C0950123, MeSH D030342.
Usher syndrome type 1 (USH1). Also called: RETINITIS PIGMENTOSA AND CONGENITAL DEAFNESS. Identifiers: Orphanet 231169, Orphanet 886, MedGen C1568247, MONDO:0010168, OMIM 276900.

Allele frequency attached by ClinVar (database versions not stated): gnomAD 0.00003; gnomAD exomes 0.00003 and 0.00016; TOPMed 0.00008; ExAC 0.00012.
gnomAD v4.1: 50 of 1,613,882 alleles (0.0031%); highest among the groups gnomAD compares: Admixed American, 0.082%; no homozygotes.

Submissions (7):

PreventionGenetics, part of Exact Sciences
Classification: Uncertain significance for CDH23-related condition. Last evaluated: 2026-05-18. Review status: criteria provided, single submitter. Criteria: ACMG Guidelines, 2015. Collection method: clinical testing. Allele origin: germline.
Comment: The CDH23 c.3172C>G variant is predicted to result in the amino acid substitution p.Leu1058Val. To our knowledge, this variant has not been reported in the literature. This variant is reported in 0.11% of alleles in individuals of Latino descent in gnomAD, which may be too frequent to be a primary cause of disease. Although we suspect that this variant may be benign, at this time, the clinical significance of this variant is uncertain due to the absence of conclusive functional and genetic evidence.

Labcorp Genetics (formerly Invitae), Labcorp
Classification: Uncertain significance. Last evaluated: 2024-12-10. Review status: criteria provided, single submitter. Criteria: Invitae Variant Classification Sherloc (09022015). Collection method: clinical testing. Allele origin: germline.
Comment: This sequence change replaces leucine, which is neutral and non-polar, with valine, which is neutral and non-polar, at codon 1058 of the CDH23 protein (p.Leu1058Val). This variant is present in population databases (rs748462315, gnomAD 0.1%). This variant has not been reported in the literature in individuals affected with CDH23-related conditions. ClinVar contains an entry for this variant (Variation ID: 196040). Invitae Evidence Modeling of protein sequence and biophysical properties (such as structural, functional, and spatial information, amino acid conservation, physicochemical variation, residue mobility, and thermodynamic stability) has been performed for this missense variant. However, the output from this modeling did not meet the statistical confidence thresholds required to predict the impact of this variant on CDH23 protein function. In summary, the available evidence is currently insufficient to determine the role of this variant in disease. Therefore, it has been classified as a Variant of Uncertain Significance.

Blueprint Genetics
Classification: Uncertain significance. Last evaluated: 2024-01-29. Review status: criteria provided, single submitter. Criteria: ACMG Guidelines, 2015. Collection method: clinical testing. Allele origin: germline.

Fulgent Genetics
Classification: Uncertain significance for Usher syndrome type 1D; Autosomal recessive nonsyndromic hearing loss 12; Pituitary adenoma 5, multiple types. Last evaluated: 2021-08-26. Review status: criteria provided, single submitter. Criteria: ACMG Guidelines, 2015. Collection method: clinical testing. Allele origin: unknown.

Ambry Genetics
Classification: Uncertain significance for Inborn genetic diseases. Last evaluated: 2017-10-10. Review status: criteria provided, single submitter. Criteria: Ambry exome assertion method (8-5-2015). Collection method: clinical testing. Allele origin: germline. Affected: yes. Observed: 1 variant allele.

Eurofins Ntd Llc (ga)
Classification: Uncertain significance. Last evaluated: 2014-10-01. Review status: criteria provided, single submitter. Criteria: EGL Classification Definitions 2015. Collection method: clinical testing. Allele origin: germline. Observed: 1 variant allele, 1 heterozygote.

Natera, Inc.
Classification: Uncertain significance for Usher syndrome type 1. Last evaluated: 2020-01-24. Review status: no assertion criteria provided. Collection method: clinical testing. Allele origin: germline. Not counted in ClinVar's aggregate classification.

NM_022124.6(CDH23):c.3172C>G (p.Leu1058Val)

Gene: CDH23 (cadherin related 23; plus strand). Cytogenetic location: 10q22.1.
Variant type: single nucleotide variant.
Coding change: c.3172C>G on transcript NM_022124.6 (MANE Select); coding-DNA position 3172, C replaced by G.
Protein change: p.Leu1058Val; replaces leucine 1058 with valine.
Molecular consequence: missense variant.
Genome position (GRCh38, 1-based): chr10:71,709,163, C>G. VCF-style: chr10-71709163-C-G. GRCh37 (hg19) VCF-style: chr10-73468920-C-G.
Other names: c.3172C>G, p.Leu1058Val (NM_001171930.2); short protein forms L1058V.
Identifiers: ClinVar variation 196040 (VCV000196040.13), dbSNP rs748462315, ClinGen allele CA242794.